The following continues an entry in ClinVar:

NM_001025295.3(IFITM5):c.-14C>T

ClinVar aggregate classification (germline): Pathogenic. Pathogenic (23).

Submissions 11 to 25 of 25:

Illumina Laboratory Services, Illumina
Classification: Pathogenic for Osteogenesis imperfecta type 5. Last evaluated: 2023-06-30. Review status: criteria provided, single submitter. Criteria: ICSLVariantClassificationCriteria RUGD 01 April 2020. Collection method: clinical testing. Allele origin: unknown.
Comment: The IFITM5 c.-14C>T variant occurs in the 5' untranslated region. Across a selection of the available literature, this variant has been identified in over 95 individuals with variable phenotypes consistent with osteogenesis imperfecta, type V (PMID: 22863190; 23240094; 23408678; 23612438; 23674381; 23813632; 24674092; 31159867; 31244780). Both familial segregation as well as de novo occurrences have been observed. This variant is predicted to introduce five amino acid residues at the N-terminus of the IFITM5 protein due to the creation of an in-frame translation initiation codon upstream of the wild-type initiation codon. In vitro expression of this variant in a cell line confirmed this prediction due to the presence of a slightly larger protein detected by immunoblotting (PMID: 22863190). Additionally, transgenic mice that express this variant exhibited bone abnormalities consistent with those observed in patients (PMID: 25251575). This variant has been classified as pathogenic by at least three submitters in ClinVar. This variant is not observed in version 2.1.1 or version 3.1.2 of the Genome Aggregation Database. Based on the available evidence, the c.-14C>T variant is classified as pathogenic for osteogenesis imperfecta, type V.

Women's Health and Genetics/Laboratory Corporation of America, LabCorp
Classification: Pathogenic for Osteogenesis imperfecta type 5. Last evaluated: 2023-06-02. Review status: criteria provided, single submitter. Criteria: LabCorp Variant Classification Summary - May 2015. Collection method: clinical testing. Allele origin: germline.
Comment: Variant summary: IFITM5 c.-14C>T is located in the untranslated mRNA region upstream of the initiation codon. It has been found to generate an upstream start codon which results in an IFITM5 protein with five additional amino acids at its N-terminus (Cho_2012). The variant was absent in 72430 control chromosomes (gnomAD). c.-14C>T has been reported in the literature in the heterozygous state in multiple individuals affected with Osteogenesis Imperfecta Type 5, has been found to segregate with the disease phenotype in multiple families, and has been reported as a de novo occurrence in several affected individuals (e.g. Cho_2012, Liu_2017). These data indicate that the variant is very likely to be associated with disease. The following publications have been ascertained in the context of this evaluation (PMID: 22863190, 28725987). Fourteen submitters have provided clinical-significance assessments for this variant to ClinVar after 2014 and all classified the variant as pathogenic (n=13)/likely pathogenic (n=1). Based on the evidence outlined above, the variant was classified as pathogenic.

Institute of Medical Genetics and Applied Genomics, University Hospital Tübingen
Classification: Pathogenic for Osteogenesis imperfecta. Last evaluated: 2023-02-21. Review status: criteria provided, single submitter. Criteria: ACMG Guidelines, 2015. Collection method: clinical testing. Allele origin: germline. Inheritance: Autosomal dominant inheritance. Affected: yes.

GeneDx
Classification: Pathogenic. Last evaluated: 2021-11-17. Review status: criteria provided, single submitter. Criteria: GeneDx Variant Classification Process June 2021. Collection method: clinical testing. Allele origin: germline. Affected: yes.
Comment: Published functional studies in mice demonstrate that c.-14 C>T results in severe skeletal defects caused by alterations to protein interactions and signaling cascades that affect differentiation and mineralization of bone (Lietman et al., 2015); Not observed in large population cohorts (Lek et al., 2016); This variant is associated with the following publications: (PMID: 23674381, 31715670, 24674092, 23612438, 23408678, 23240094, 23977282, 27678411, 27029692, 25251575, 22863190, 22863195, 24478195, 29499418, 29188603, 29620724, 31159867, 31244780, 31099171, 32552793, 32770541, 33470886, 33935965, 32123938, 33939306, 33726816, 33360005)

Genome Diagnostics Laboratory, The Hospital for Sick Children
Classification: Pathogenic for Osteogenesis imperfecta. Last evaluated: 2021-09-07. Review status: criteria provided, single submitter. Criteria: ACMG Guidelines, 2015. Collection method: clinical testing. Allele origin: germline.

Institute for Medical Genetics and Human Genetics, Charité - Universitätsmedizin Berlin
Classification: Pathogenic for Osteoporosis. Last evaluated: 2021-06-14. Review status: criteria provided, single submitter. Criteria: ACMG Guidelines, 2015. Collection method: not provided. Allele origin: germline. Affected: yes. Observed: 1 heterozygote.

Laboratorio de Genetica e Diagnostico Molecular, Hospital Israelita Albert Einstein
Classification: Pathogenic for Osteogenesis imperfecta type 5. Last evaluated: 2021-04-20. Review status: criteria provided, single submitter. Criteria: ACMG Guidelines, 2015. Collection method: clinical testing. Allele origin: germline. Affected: yes.
Comment: ACMG classification criteria: PS3 supporting, PS4, PM2, PM6 strong, PP1

Foundation for Research in Genetics and Endocrinology, FRIGE's Institute of Human Genetics
Classification: Pathogenic for Osteogenesis imperfecta type 5. Last evaluated: 2019-06-19. Review status: criteria provided, single submitter. Criteria: ACMG Guidelines, 2015. Collection method: clinical testing. Allele origin: germline. Inheritance: Autosomal dominant inheritance. Affected: yes. Observed: 1 heterozygote.
Comment: Heterozygous variant c.-14C>T in 5' UTR has been observed in IFITM5 gene. X-ray showed multiple rib fractures. This variant introduces alternative start codon, adding 5 amino acid residues to the N terminus of the protein. Transgenic mice models show that mutant IFITM5 mice exhibit perinatal lethality with severe defects of the long bones and ribs (Lietman CD et al. Journal of Bone and Mineral Research 2015). The variant has not been reported in the 1000 genomes and ExAC databases and has a minor allele frequency of 0.02%. The in silico prediction of the variant is possibly damaging by MutationTaster2. In summary, the said variant meets our criteria to be classified as pathogenic based on the mode of inheritance, in silico prediction and allele frequency in population databases.

Mendelics
Classification: Pathogenic for Osteogenesis imperfecta type 5. Last evaluated: 2019-05-28. Review status: criteria provided, single submitter. Criteria: Mendelics Assertion Criteria 2017. Collection method: clinical testing. Allele origin: unknown.

Clinical Genetics and Genomics, Karolinska University Hospital
Classification: Pathogenic. Last evaluated: 2017-09-26. Review status: criteria provided, single submitter. Criteria: ACMG Guidelines, 2015. Collection method: clinical testing. Allele origin: germline. Affected: yes. Observed: 1 variant allele.

Clinical Genetics Service, Universitary Hospital 12 de Octubre
Classification: Pathogenic for Osteogenesis imperfecta type 5. Review status: criteria provided, single submitter. Criteria: ACMG Guidelines, 2015. Collection method: clinical testing. Allele origin: germline. Affected: yes.

Juno Genomics, Hangzhou Juno Genomics, Inc
Classification: Pathogenic for Osteogenesis imperfecta type 5. Review status: criteria provided, single submitter. Criteria: ACMG Guidelines, 2015. Collection method: clinical testing. Allele origin: germline. Affected: yes.
Comment: Absent from controls (or at extremely low frequency if recessive) in Genome Aggregation Database, Exome Sequencing Project, 1000 Genomes Project, or Exome Aggregation Consortium.;Well-established in vitro or in vivo functional studies supportive of a damaging effect on the gene or gene product.;The prevalence of the variant in affected individuals is significantly increased compared to the prevalence in controls.;Assumed de novo, but without confirmation of paternity and maternity.;Patient's phenotype or family history is highly specific for a disease with a single genetic etiology.;Co-segregation with disease in multiple affected family members in a gene definitively known to cause the disease.

Kasturba Medical College, Manipal, Kasturba Medical College, Manipal, Manipal Academy of Higher Education, Manipal, India
Classification: Pathogenic for Osteogenesis imperfecta type 5. Review status: criteria provided, single submitter. Criteria: ACMG Guidelines, 2015. Collection method: clinical testing. Allele origin: de novo. Inheritance: Autosomal dominant inheritance. Affected: yes.

Bioscientia Institut fuer Medizinische Diagnostik GmbH, Sonic Healthcare
Classification: Likely pathogenic for Osteogenesis imperfecta type 5. Last evaluated: 2018-06-18. Review status: no assertion criteria provided. Collection method: clinical testing. Allele origin: germline. Affected: yes. Not counted in ClinVar's aggregate classification.

OMIM
Classification: Pathogenic for OSTEOGENESIS IMPERFECTA, TYPE V. Last evaluated: 2015-03-01. Review status: no assertion criteria provided. Collection method: literature only. Allele origin: germline. Not counted in ClinVar's aggregate classification.

Literature cited by the submitters: PubMed 25251575 (cited by Dasa and Victorian Clinical Genetics Services, Murdoch Childrens Research Institute); PubMed 31099171 (cited by Dasa and Labcorp Genetics (formerly Invitae), Labcorp); PubMed 22863190 (cited by 6 submitters); PubMed 23977282 (cited by Dasa and Labcorp Genetics (formerly Invitae), Labcorp); PubMed 24674092 (cited by Dasa); PubMed 23240094 (cited by Clinical Biomedical Laboratory, Shriners Hospital For Children - Canada); PubMed 27509835 (cited by Clinical Biomedical Laboratory, Shriners Hospital For Children - Canada); PubMed 22863195 (cited by Victorian Clinical Genetics Services, Murdoch Childrens Research Institute); PubMed 29174564 (cited by Victorian Clinical Genetics Services, Murdoch Childrens Research Institute); PubMed 31159867 (cited by Victorian Clinical Genetics Services, Murdoch Childrens Research Institute); PubMed 32383316 (cited by Victorian Clinical Genetics Services, Murdoch Childrens Research Institute); PubMed 35216266 (cited by Victorian Clinical Genetics Services, Murdoch Childrens Research Institute); PubMed 28725987 (cited by Women's Health and Genetics/Laboratory Corporation of America, LabCorp); Cho, T.-J., Lee, K.-E., Lee, S.-K., Song, S. J., Kim, K. J., Jeon, D., Lee, G., Kim, H.-N., Lee, H. R., Eom, H.-H., Lee, Z. H., Kim, O.-H., Park, W.-Y., Park, S. S., Ikegawa, S., Yoo, W. J., Choi, I. H., Kim, J.-W. A single recurrent mutation in the 5-prime UTR of IFITM5 causes osteogenesis imperfecta type V. Am. J. Hum. Genet. 91: 343-348, 2012. (cited by OMIM); Semler, O., Garbes, L., Keupp, K., Swan, D., Zimmermann, K., Becker, J., Iden, S., Wirth, B., Eysel, P., Koerber, F., Schoenau, E., Bohlander, S. K., Wollnik, B., Netzer, C. A mutation in the 5-prime UTR of IFITM5 creates an in-frame start codon and causes autosomal-dominant osteogenesis imperfecta type V with hyperplastic callus. Am. J. Hum. Genet. 91: 349-357, 2012. (cited by OMIM); Rauch, F., Moffatt, P., Cheung, M., Roughley, P., Lalic, L., Lund, A. M., Ramirez, N., Fahiminiya, S., Majewski, J., Glorieux, F. H. Osteogenesis imperfecta type V: marked phenotypic variability despite the presence of the IFITM5 c.-14C-T mutation in all patients. J. Med. Genet. 50: 21-24, 2013. (cited by OMIM); Shapiro, J. R., Lietman, C., Grover, M., Lu, J. T., Nagamani, S. C. S., Dawson, B. C., Baldridge, D. M., Bainbridge, M. N., Cohn, D. H., Blazo, M., Roberts, T. T., Brennen, F.-S., Wu, Y., Gibbs, R. A., Melvin, P., Campeau, P. M., Lee, B. H. Phenotypic variability of osteogenesis imperfecta type V caused by an IFITM5 mutation. J. Bone Miner. Res. 28: 1523-1530, 2013. (cited by OMIM); Grover, M., Campeau, P. M., Lietman, C. D., Lu, J. T., Gibbs, R. A., Schlesinger, A. E., Lee, B. H. Osteogenesis imperfecta without features of type V caused by a mutation in the IFITM5 gene. J. Bone Miner. Res. 28: 2333-2337, 2013. (cited by OMIM); Lazarus, S., McInerney-Leo, A. M., McKenzie F. A., Baynam, G., Broley, S., Cavan, B. V., Munns, C. F., Pruijs, J. E. H., Sillence, D., Terhal, P. A., Pryce, K., Brown, M. A., Zankl, A., Thomas, G., Duncan, E. L. The IFITM5 mutation c.-14C-T results in an elongated transcript expressed in human bone; and causes varying phenotypic severity of osteogenesis imperfecta type V. BMC Musculoskelet. Disord. 15: 107, 2014. Note: Electronic Article. (cited by OMIM); Guillen-Navarro, E., Ballesta-Martinez, M. J., Valencia, M., Bueno, A. M., Martinez-Glez, V., Lopez-Gonzalez, V., Burnyte, B., Utkus, A., Lapunzina, P., Ruiz-Perez, V. L. Two mutations in IFITM5 causing distinct forms of osteogenesis imperfecta. Am. J. Med. Genet. 164A: 1136-1142, 2014. (cited by OMIM); Lietman, C. D., Marom, R., Munivez, E., Bertin, T. K., Jiang, M.-M., Chen, Y., Dawson, B., Weis, M. A., Eyre, D., Lee, B. A transgenic mouse model of OI type V supports a neomorphic mechanism of the IFITM5 mutation. J. Bone Miner. Res. 30: 489-498, 2015. (cited by OMIM).